The following is an entry in ClinVar:

ClinVar aggregate classification (germline): Uncertain significance. Review status: criteria provided, multiple submitters, no conflicts (2 of 4 stars). 2 submissions from 2 submitters: Uncertain significance (2). Last evaluated 2020-06-30.

gnomAD v4.1: 9 of 1,614,112 alleles (0.00056%); highest among the groups gnomAD compares: Non-Finnish European, 0.00076%; no homozygotes.

Submissions (2):

GeneDx
Classification: Uncertain significance. Last evaluated: 2020-06-30. Review status: criteria provided, single submitter. Criteria: GeneDx Variant Classification Process June 2021. Collection method: clinical testing. Allele origin: germline. Affected: yes.
Comment: Not observed at a significant frequency in large population cohorts (Lek et al., 2016); In silico analysis supports that this missense variant does not alter protein structure/function; Has not been previously published as pathogenic or benign to our knowledge

Athena Diagnostics
Classification: Uncertain significance. Last evaluated: 2017-04-11. Review status: criteria provided, single submitter. Criteria: Athena Diagnostics Criteria. Collection method: clinical testing. Allele origin: germline.

NM_004393.6(DAG1):c.1442G>C (p.Arg481Pro)

Gene: DAG1 (dystroglycan 1; plus strand). Cytogenetic location: 3p21.31.
Variant type: single nucleotide variant.
Coding change: c.1442G>C on transcript NM_004393.6 (MANE Select); coding-DNA position 1442, G replaced by C.
Protein change: p.Arg481Pro; replaces arginine 481 with proline.
Molecular consequence: missense variant.
Genome position (GRCh38, 1-based): chr3:49,531,953, G>C. VCF-style: chr3-49531953-G-C. GRCh37 (hg19) VCF-style: chr3-49569386-G-C.
Other names: c.1442G>C, p.Arg481Pro (NM_001165928.4, NM_001177634.3, NM_001177635.3 and 9 more transcripts); short protein forms R481P.
Identifiers: ClinVar variation 447234 (VCV000447234.4), dbSNP rs1256677839, ClinGen allele CA352795390.